The following is an entry in ClinVar:

ClinVar aggregate classification (germline): Pathogenic (1 of 4 stars; one submission).

Submission:

GeneDx
Classification: Pathogenic. Last evaluated: 2020-09-24. Review status: criteria provided, single submitter. Criteria: GeneDx Variant Classification Process June 2021. Collection method: clinical testing. Allele origin: germline. Affected: yes.
Comment: Occurs in the triple helical domain and replaces the glycine in the canonical Gly-X-Y repeat; missense substitution of a canonical glycine residue is expected to disrupt normal protein folding and function, and this is an established mechanism of disease (Stenson et al., 2014); Not observed in large population cohorts (Lek et al., 2016); In silico analysis, which includes protein predictors and evolutionary conservation, supports a deleterious effect; This variant is associated with the following publications: (PMID: 24922459, 30474650, 25758994)

NM_000090.4(COL3A1):c.3544G>C (p.Gly1182Arg)

Gene: COL3A1 (collagen type III alpha 1 chain; plus strand). Cytogenetic location: 2q32.2.
Variant type: single nucleotide variant.
Coding change: c.3544G>C on transcript NM_000090.4 (MANE Select); coding-DNA position 3544, G replaced by C.
Protein change: p.Gly1182Arg; replaces glycine 1182 with arginine.
Molecular consequence: missense variant.
Genome position (GRCh38, 1-based): chr2:189,008,942, G>C. VCF-style: chr2-189008942-G-C. GRCh37 (hg19) VCF-style: chr2-189873668-G-C.
Other names: short protein forms G1182R.
Identifiers: ClinVar variation 280350 (VCV000280350.4), dbSNP rs587779683, ClinGen allele CA10602846.